The following is an entry in ClinVar:

NM_207122.2(EXT2):c.-31+453A>G

Gene: EXT2 (exostosin glycosyltransferase 2; plus strand). Cytogenetic location: 11p11.2.
Variant type: single nucleotide variant.
Coding change: c.-31+453A>G on transcript NM_207122.2 (MANE Select); 453 bases into the intron after 31 bases upstream of the start codon, A replaced by G.
Molecular consequence: intron variant. On other transcripts: missense variant (1), 5 prime UTR variant (1).
Genome position (GRCh38, 1-based): chr11:44,096,305, A>G. VCF-style: chr11-44096305-A-G. GRCh37 (hg19) VCF-style: chr11-44117855-A-G.
Other names: c.53A>G, p.Gln18Arg (NM_000401.3); c.-47A>G (NM_001389628.1); c.-70+453A>G (NM_001389630.1); c.-31+453A>G (NM_001178083.3); short protein forms Q18R.
Identifiers: ClinVar variation 1691540 (VCV001691540.4), dbSNP rs1032612888, ClinGen allele CA221442896.

ClinVar aggregate classification (germline): Uncertain significance (1 of 4 stars; one submission).

Conditions:
Exostoses, multiple, type 2 (EXT2). Also called: Hereditary Multiple Osteochondromatosis, Type II; EXOSTOSES, MULTIPLE, TYPE II. Identifiers: Orphanet 321, MedGen C1851413, MONDO:0007586, OMIM 133701.

Allele frequency attached by ClinVar (database versions not stated): gnomAD exomes below 0.00001; gnomAD 0.00001; TOPMed 0.00001.

Submission:

St. Jude Molecular Pathology, St. Jude Children's Research Hospital
Classification: Uncertain significance for Exostoses, multiple, type 2. Last evaluated: 2022-05-23. Review status: criteria provided, single submitter. Criteria: St. Jude Assertion Criteria 2020. Collection method: clinical testing. Allele origin: germline.
Comment: The EXT2 c.53A>G (p.Gln18Arg) missense change is absent in gnomAD v2.1.1 (PM2_supporting). It is predicted to have a benign effect on protein function (BP4), but to our knowledge this prediction has not been confirmed by functional assays. To our knowledge, this variant has not been reported in individuals with hereditary multiple exostoses. In summary, this variant meets criteria to be classified as of uncertain significance based on the ACMG/AMP criteria: PM2_supporting, BP4.